The following is an entry in ClinVar:

ClinVar aggregate classification (germline): Likely pathogenic (1 of 4 stars; one submission).

Allele frequency attached by ClinVar (database versions not stated): gnomAD exomes 0.00001; TOPMed 0.00001.
gnomAD v4.1: 3 of 1,611,752 alleles (0.00019%); highest among the groups gnomAD compares: Admixed American, 0.005%; no homozygotes.

Submission:

Labcorp Genetics (formerly Invitae), Labcorp
Classification: Likely pathogenic. Last evaluated: 2025-08-20. Review status: criteria provided, single submitter. Criteria: Invitae Variant Classification Sherloc (09022015). Collection method: clinical testing. Allele origin: germline.
Comment: This sequence change affects a donor splice site in intron 23 of the COL13A1 gene. It is expected to disrupt RNA splicing. Variants that disrupt the donor or acceptor splice site typically lead to a loss of protein function (PMID: 16199547), and loss-of-function variants in COL13A1 are known to be pathogenic (PMID: 26626625). This variant is present in population databases (no rsID available, gnomAD 0.006%). This variant has not been reported in the literature in individuals affected with COL13A1-related conditions. ClinVar contains an entry for this variant (Variation ID: 1066217). Algorithms developed to predict the effect of sequence changes on RNA splicing suggest that this variant may disrupt the consensus splice site. In summary, the currently available evidence indicates that the variant is pathogenic, but additional data are needed to prove that conclusively. Therefore, this variant has been classified as Likely Pathogenic.

Literature cited by the submitters: PubMed 16199547; PubMed 26626625.

NM_001368882.1(COL13A1):c.1284+1G>A

Gene: COL13A1 (collagen type XIII alpha 1 chain; plus strand). Cytogenetic location: 10q22.1.
Variant type: single nucleotide variant.
Coding change: c.1284+1G>A on transcript NM_001368882.1 (MANE Select); the canonical splice donor site of the intron after coding-DNA position 1284, G replaced by A.
Molecular consequence: splice donor variant.
Genome position (GRCh38, 1-based): chr10:69,923,856, G>A. VCF-style: chr10-69923856-G-A. GRCh37 (hg19) VCF-style: chr10-71683612-G-A.
Other names: c.1221+1G>A (NM_001320951.2, NM_001368884.1); c.1251+1G>A (NM_001130103.2); c.1185+1G>A (NM_080801.4, NM_080802.4, NM_001368885.1); c.1194+1G>A (NM_080800.4, NM_001368895.1); c.621+1G>A (NM_001368886.1); c.1248+1G>A (NM_001368883.1); c.1098+1G>A (NM_080805.4); c.1107+1G>A (NM_001368897.1); and 1 more.
Identifiers: ClinVar variation 1066217 (VCV001066217.5), dbSNP rs1236369546, ClinGen allele CA376929512.